The following is an entry in ClinVar:

NM_000183.3(HADHB):c.272C>T (p.Thr91Ile)

Gene: HADHB (hydroxyacyl-CoA dehydrogenase trifunctional multienzyme complex subunit beta; plus strand). Cytogenetic location: 2p23.3.
Variant type: single nucleotide variant.
Coding change: c.272C>T on transcript NM_000183.3 (MANE Select); coding-DNA position 272, C replaced by T.
Protein change: p.Thr91Ile; replaces threonine 91 with isoleucine.
Molecular consequence: missense variant.
Genome position (GRCh38, 1-based): chr2:26,273,668, C>T. VCF-style: chr2-26273668-C-T. GRCh37 (hg19) VCF-style: chr2-26496536-C-T.
Other names: c.227C>T, p.Thr76Ile (NM_001281512.2); c.206C>T, p.Thr69Ile (NM_001281513.2); short protein forms T91I, T69I, T76I.
Identifiers: ClinVar variation 335404 (VCV000335404.17), dbSNP rs145712438, ClinGen allele CA1560167.

ClinVar aggregate classification (germline): Uncertain significance. Review status: criteria provided, multiple submitters, no conflicts (2 of 4 stars). 5 submissions from 5 submitters: Uncertain significance (4). 1 of the submissions does not count toward it. Last evaluated 2025-12-20.

Conditions:
HADHB-related disorder. Also called: HADHB-related condition.
Mitochondrial trifunctional protein deficiency. Identifiers: Orphanet 746, MedGen C1969443, MONDO:0012172.

Allele frequency attached by ClinVar (database versions not stated): TOPMed 0.00006; gnomAD 0.00008 and 0.00009; ExAC 0.00005; gnomAD exomes 0.00005 and 0.00017; ESP Exome Variant Server 0.00031.

Submissions (5):

Labcorp Genetics (formerly Invitae), Labcorp
Classification: Uncertain significance for Mitochondrial trifunctional protein deficiency. Last evaluated: 2025-12-20. Review status: criteria provided, single submitter. Criteria: Invitae Variant Classification Sherloc (09022015). Collection method: clinical testing. Allele origin: germline.
Comment: This sequence change replaces threonine, which is neutral and polar, with isoleucine, which is neutral and non-polar, at codon 91 of the HADHB protein (p.Thr91Ile). This variant is present in population databases (rs145712438, gnomAD 0.009%). This missense change has been observed in individual(s) with clinical fetures of HADHB-related conditions (PMID: 37510298). ClinVar contains an entry for this variant (Variation ID: 335404). Invitae Evidence Modeling of protein sequence and biophysical properties (such as structural, functional, and spatial information, amino acid conservation, physicochemical variation, residue mobility, and thermodynamic stability) indicates that this missense variant is not expected to disrupt HADHB protein function with a negative predictive value of 80%. In summary, the available evidence is currently insufficient to determine the role of this variant in disease. Therefore, it has been classified as a Variant of Uncertain Significance.

Mayo Clinic Laboratories, Mayo Clinic
Classification: Uncertain significance. Last evaluated: 2020-09-21. Review status: criteria provided, single submitter. Criteria: ACMG Guidelines, 2015. Collection method: clinical testing. Allele origin: germline. Observed: 1 variant allele.

Illumina Laboratory Services, Illumina
Classification: Uncertain significance for Mitochondrial trifunctional protein deficiency 1. Last evaluated: 2018-01-13. Review status: criteria provided, single submitter. Criteria: ICSL Variant Classification Criteria 13 December 2019. Collection method: clinical testing. Allele origin: germline.

Breakthrough Genomics
Classification: Uncertain significance. Review status: criteria provided, single submitter. Criteria: ACMG Guidelines, 2015. Collection method: not provided. Allele origin: germline. Inheritance: Autosomal recessive inheritance. Affected: yes.

PreventionGenetics, part of Exact Sciences
Classification: Uncertain significance for HADHB-related condition. Last evaluated: 2024-06-24. Review status: no assertion criteria provided. Collection method: clinical testing. Allele origin: germline. Not counted in ClinVar's aggregate classification.
Comment: The HADHB c.272C>T variant is predicted to result in the amino acid substitution p.Thr91Ile. This variant was reported in an individual with a myopathy phenotype and elevated CK levels (Supplementary Table S1, Invernizzi et al 2023. PubMed ID: 37510298). This variant is reported in 0.010% of alleles in individuals of European (Non-Finnish) descent in gnomAD. At this time, the clinical significance of this variant is uncertain due to the absence of conclusive functional and genetic evidence.

Literature cited by the submitters: PubMed 37510298 (cited by Labcorp Genetics (formerly Invitae), Labcorp).